The following is an entry in ClinVar:

NM_000069.3(CACNA1S):c.5048+162G>A

Gene: CACNA1S (calcium voltage-gated channel subunit alpha1 S; minus strand). Cytogenetic location: 1q32.1.
Variant type: single nucleotide variant.
Coding change: c.5048+162G>A on transcript NM_000069.3 (MANE Select); 162 bases into the intron after coding-DNA position 5048, G replaced by A.
Molecular consequence: intron variant.
Genome position (GRCh38, 1-based): chr1:201,043,119, C>T on the plus strand (G>A on the coding strand, the complement: CACNA1S is on the minus strand). VCF-style: chr1-201043119-C-T. GRCh37 (hg19) VCF-style: chr1-201012247-C-T.
Identifiers: ClinVar variation 670376 (VCV000670376.2), dbSNP rs2279944, ClinGen allele CA10855047.

ClinVar aggregate classification (germline): Benign. Review status: criteria provided, multiple submitters, no conflicts (2 of 4 stars). 2 submissions from 2 submitters: Benign (2). Last evaluated 2018-06-19.

Allele frequency attached by ClinVar (database versions not stated): 1000 Genomes Project 30x 0.10384; 1000 Genomes Project 0.10403; TOPMed 0.12383; gnomAD 0.12692.
gnomAD v4.1: 98,384 of 831,232 alleles (12%); highest among the groups gnomAD compares: African/African-American, 14%; 6,095 homozygotes.

Submissions (2):

GeneDx
Classification: Benign. Last evaluated: 2018-06-19. Review status: criteria provided, single submitter. Criteria: GeneDx Variant Classification (06012015). Collection method: clinical testing. Allele origin: germline. Affected: yes.
Comment: This variant is considered likely benign or benign based on one or more of the following criteria: it is a conservative change, it occurs at a poorly conserved position in the protein, it is predicted to be benign by multiple in silico algorithms, and/or has population frequency not consistent with disease.

Breakthrough Genomics
Classification: Benign. Review status: criteria provided, single submitter. Criteria: ACMG Guidelines, 2015. Collection method: not provided. Allele origin: germline. Inheritance: Autosomal dominant inheritance. Affected: yes.